The following is an entry in ClinVar:

ClinVar aggregate classification (germline): Pathogenic (1 of 4 stars; one submission).

Submission:

Labcorp Genetics (formerly Invitae), Labcorp
Classification: Pathogenic. Last evaluated: 2023-11-24. Review status: criteria provided, single submitter. Criteria: Invitae Variant Classification Sherloc (09022015). Collection method: clinical testing. Allele origin: germline.
Comment: This sequence change creates a premature translational stop signal (p.Ser3201Ilefs*12) in the ADGRV1 gene. It is expected to result in an absent or disrupted protein product. Loss-of-function variants in ADGRV1 are known to be pathogenic (PMID: 19357117, 22135276, 22147658, 26226137, 30718709, 31047384, 32467589). This variant is not present in population databases (gnomAD no frequency). This variant has not been reported in the literature in individuals affected with ADGRV1-related conditions. For these reasons, this variant has been classified as Pathogenic.

Literature cited by the submitters: PubMed 19357117; PubMed 22135276; PubMed 22147658; PubMed 26226137; PubMed 30718709; PubMed 31047384; PubMed 32467589.

NM_032119.4(ADGRV1):c.9602del (p.Ser3201fs)

Gene: ADGRV1 (adhesion G protein-coupled receptor V1; plus strand). Cytogenetic location: 5q14.3.
Variant type: Deletion.
Coding change: c.9602del on transcript NM_032119.4 (MANE Select); coding-DNA position 9602, one base deleted (G; older notation c.9602delG).
Protein change: p.Ser3201fs; shifts the reading frame from serine 3201.
Molecular consequence: frameshift variant. On other transcripts: non-coding transcript variant (1).
Genome position (GRCh38, 1-based): chr5:90,720,202, G deleted. VCF-style (leftmost placement, unchanged base first): chr5-90720201-AG-A. GRCh37 (hg19) VCF-style: chr5-90016018-AG-A.
Other names: short protein forms S3201fs.
Identifiers: ClinVar variation 2698751 (VCV002698751.3), dbSNP rs2531258355, ClinGen allele CA2697546234.
Genomic context (GRCh38, chr5:90,720,201, plus strand): 5'-GGGGTGCATGTTCAAACCCTGATAACAGTTTTGCAAAACCAGGCCCCTTTGGGGCTATTC[AG>A]TATCTCTGCAGTTGAAAATAGGTATAGTTTATTCATAAGGAAATTATCACTTCTGAAGCT-3'